The following is an entry in ClinVar:

NM_001374736.1(DST):c.21448G>T (p.Ala7150Ser)

Gene: DST (dystonin; minus strand). Cytogenetic location: 6p12.1.
Variant type: single nucleotide variant.
Coding change: c.21448G>T on transcript NM_001374736.1 (MANE Select); coding-DNA position 21448, G replaced by T.
Protein change: p.Ala7150Ser; replaces alanine 7150 with serine.
Molecular consequence: missense variant.
Genome position (GRCh38, 1-based): chr6:56,482,133, C>A on the plus strand (G>T on the coding strand, the complement: DST is on the minus strand). VCF-style: chr6-56482133-C-A. GRCh37 (hg19) VCF-style: chr6-56346931-C-A.
Other names: c.15091G>T, p.Ala5031Ser (NM_001144769.5); c.14677G>T, p.Ala4893Ser (NM_001144770.2); c.21448G>T, p.Ala7150Ser (NM_001374722.1); c.20488G>T, p.Ala6830Ser (NM_001374729.1); c.14230G>T, p.Ala4744Ser (NM_001374730.1); c.21475G>T, p.Ala7159Ser (NM_001374734.1); c.14557G>T, p.Ala4853Ser (NM_001386100.1, NM_183380.4); c.13579G>T, p.Ala4527Ser (NM_015548.5); short protein forms A4527S, A4853S, A5031S, A4893S, A4744S, A6830S, A7150S, A7159S.
Identifiers: ClinVar variation 663724 (VCV000663724.7), dbSNP rs1393774391, ClinGen allele CA364511892.

ClinVar aggregate classification (germline): Uncertain significance (1 of 4 stars; one submission).

Conditions:
Epidermolysis bullosa simplex 3, localized or generalized intermediate, with BP230 deficiency (EBS3). Also called: Epidermolysis bullosa simplex due to BP230 deficiency; Epidermolysis bullosa simplex, autosomal recessive 2. Identifiers: Orphanet 412181, MedGen C3809470, MONDO:0014180, OMIM 615425.
Hereditary sensory and autonomic neuropathy type 6. Also called: HSAN VI; Neuropathy, hereditary sensory and autonomic, type VI. Identifiers: Orphanet 314381, MedGen C3539003, MONDO:0013839, OMIM 614653.

Allele frequency attached by ClinVar (database versions not stated): TOPMed below 0.00001; gnomAD exomes 0.00001.
gnomAD v4.1: 7 of 1,613,678 alleles (0.00043%); highest among the groups gnomAD compares: Non-Finnish European, 0.00059%; no homozygotes.

Submission:

Labcorp Genetics (formerly Invitae), Labcorp
Classification: Uncertain significance for Epidermolysis bullosa simplex 3, localized or generalized intermediate, with BP230 deficiency; Hereditary sensory and autonomic neuropathy type 6. Last evaluated: 2022-07-08. Review status: criteria provided, single submitter. Criteria: Invitae Variant Classification Sherloc (09022015). Collection method: clinical testing. Allele origin: germline.
Comment: Experimental studies and prediction algorithms are not available or were not evaluated, and the functional significance of this variant is currently unknown. In summary, the available evidence is currently insufficient to determine the role of this variant in disease. Therefore, it has been classified as a Variant of Uncertain Significance. This variant has not been reported in the literature in individuals affected with DST-related conditions. This variant is not present in population databases (gnomAD no frequency). This sequence change replaces alanine, which is neutral and non-polar, with serine, which is neutral and polar, at codon 4527 of the DST protein (p.Ala4527Ser). The DST gene has multiple clinically relevant transcripts. This variant occurs in alternate transcript NM_015548.4, and corresponds to NM_001723.5:c.*133384G>T in the primary transcript.